The following is an entry in ClinVar:

ClinVar aggregate classification (germline): Uncertain significance (1 of 4 stars; one submission).

Conditions:
Bloom syndrome (BLM). Also called: Bloom-Torre-Machacek syndrome. Identifiers: Orphanet 125, MedGen C0005859, MONDO:0008876, OMIM 210900.

Submission:

Labcorp Genetics (formerly Invitae), Labcorp
Classification: Uncertain significance for Bloom syndrome. Last evaluated: 2023-09-10. Review status: criteria provided, single submitter. Criteria: Invitae Variant Classification Sherloc (09022015). Collection method: clinical testing. Allele origin: germline.
Comment: In summary, the available evidence is currently insufficient to determine the role of this variant in disease. Therefore, it has been classified as a Variant of Uncertain Significance. Advanced modeling of protein sequence and biophysical properties (such as structural, functional, and spatial information, amino acid conservation, physicochemical variation, residue mobility, and thermodynamic stability) performed at Invitae indicates that this missense variant is not expected to disrupt BLM protein function. This variant has not been reported in the literature in individuals affected with BLM-related conditions. This variant is not present in population databases (gnomAD no frequency). This sequence change replaces alanine, which is neutral and non-polar, with proline, which is neutral and non-polar, at codon 582 of the BLM protein (p.Ala582Pro).

NM_000057.4(BLM):c.1744G>C (p.Ala582Pro)

Gene: BLM (BLM RecQ like helicase; plus strand). Cytogenetic location: 15q26.1.
Variant type: single nucleotide variant.
Coding change: c.1744G>C on transcript NM_000057.4 (MANE Select); coding-DNA position 1744, G replaced by C.
Protein change: p.Ala582Pro; replaces alanine 582 with proline.
Molecular consequence: missense variant.
Genome position (GRCh38, 1-based): chr15:90,761,117, G>C. VCF-style: chr15-90761117-G-C. GRCh37 (hg19) VCF-style: chr15-91304347-G-C.
Other names: c.1744G>C, p.Ala582Pro (NM_001287246.2, NM_001287247.2); c.619G>C, p.Ala207Pro (NM_001287248.2); short protein forms A582P, A207P.
Identifiers: ClinVar variation 2759790 (VCV002759790.3), dbSNP rs1895974569, ClinGen allele CA393843750.